The following is an entry in ClinVar:

ClinVar aggregate classification (germline): Uncertain significance (1 of 4 stars; one submission).

Submission:

Labcorp Genetics (formerly Invitae), Labcorp
Classification: Uncertain significance. Last evaluated: 2022-06-13. Review status: criteria provided, single submitter. Criteria: Invitae Variant Classification Sherloc (09022015). Collection method: clinical testing. Allele origin: germline.
Comment: Experimental studies and prediction algorithms are not available or were not evaluated, and the functional significance of this variant is currently unknown. This variant has not been reported in the literature in individuals affected with ADAMTS18-related conditions. This variant results in a copy number gain of the genomic region encompassing exon(s) 1-22 of the ADAMTS18 gene. This region includes the initiator codon of the gene. This copy number gain extends beyond the assayed region for this gene and therefore may encompass additional genes. As the precise location of this event is unknown, it may be in tandem or it may be located elsewhere in the genome. In summary, the available evidence is currently insufficient to determine the role of this variant in disease. Therefore, it has been classified as a Variant of Uncertain Significance.

NC_000016.9:g.(?_77323141)_(77468592_?)dup

Gene: ADAMTS18 (ADAM metallopeptidase with thrombospondin type 1 motif 18; minus strand). Cytogenetic location: 16q23.1.
Variant type: Duplication.
Identifiers: ClinVar variation 1038172 (VCV001038172.6).